The following is an entry in ClinVar:

NM_005343.4(HRAS):c.17TGG[3] (p.Val9del)

Genes: HRAS (HRas proto-oncogene, GTPase; minus strand), LRRC56 (leucine rich repeat containing 56; plus strand). Cytogenetic location: 11p15.5.
Variant type: Microsatellite.
Coding change: c.17TGG[3] on transcript NM_005343.4 (MANE Select); three copies in a row of the 3-base unit TGG starting at c.17; the reference has four copies in a row; one copy, 3 bases deleted.
Protein change: p.Val9del; deletes valine 9.
Molecular consequence: inframe deletion. On other transcripts: 5 prime UTR variant (1).
Genome position (GRCh38, 1-based): chr11:534,295-534,297, CCA deleted on the plus strand (TGG on the coding strand, the reverse complement: HRAS is on the minus strand); deleting any 3 consecutive bases within chr11:534,295-534,306 gives the same sequence; the position shown is the placement nearest the transcript's 3' end. VCF-style (leftmost placement, unchanged base first): chr11-534294-CCCA-C. GRCh37 (hg19) VCF-style: chr11-534294-CCCA-C.
Other names: c.17TGG[3], p.Val9del (NM_001130442.3, NM_176795.5); c.-303TGG[3] (NM_001318054.2); short protein forms V9del.
Identifiers: ClinVar variation 861048 (VCV000861048.10), dbSNP rs1164486792, ClinGen allele CA596781858.

ClinVar aggregate classification (germline): Uncertain significance (1 of 4 stars; one submission).

Conditions:
Costello syndrome (CSTLO). Also called: FACIOCUTANEOSKELETAL SYNDROME; HRAS-Related Costello Syndrome; FCS SYNDROME. Identifiers: Orphanet 3071, MedGen C0587248, MONDO:0009026, OMIM 218040.

Submission:

Labcorp Genetics (formerly Invitae), Labcorp
Classification: Uncertain significance for Costello syndrome. Last evaluated: 2024-05-08. Review status: criteria provided, single submitter. Criteria: Invitae Variant Classification Sherloc (09022015). Collection method: clinical testing. Allele origin: germline.
Comment: This variant, c.26_28del, results in the deletion of 1 amino acid(s) of the HRAS protein (p.Val9del), but otherwise preserves the integrity of the reading frame. This variant is not present in population databases (gnomAD no frequency). This variant has not been reported in the literature in individuals affected with HRAS-related conditions. ClinVar contains an entry for this variant (Variation ID: 861048). Experimental studies and prediction algorithms are not available or were not evaluated, and the functional significance of this variant is currently unknown. In summary, the available evidence is currently insufficient to determine the role of this variant in disease. Therefore, it has been classified as a Variant of Uncertain Significance.